The following is an entry in ClinVar:

NM_000601.6(HGF):c.1685A>G (p.Lys562Arg)

Gene: HGF (hepatocyte growth factor; minus strand). Cytogenetic location: 7q21.11.
Variant type: single nucleotide variant.
Coding change: c.1685A>G on transcript NM_000601.6 (MANE Select); coding-DNA position 1685, A replaced by G.
Protein change: p.Lys562Arg; replaces lysine 562 with arginine.
Molecular consequence: missense variant.
Genome position (GRCh38, 1-based): chr7:81,706,359, T>C on the plus strand (A>G on the coding strand, the complement: HGF is on the minus strand). VCF-style: chr7-81706359-T-C. GRCh37 (hg19) VCF-style: chr7-81335675-T-C.
Other names: c.1670A>G, p.Lys557Arg (NM_001010932.3); short protein forms K562R, K557R.
Identifiers: ClinVar variation 1935906 (VCV001935906.5), dbSNP rs559990458, ClinGen allele CA161107834.
Genomic context (GRCh38, chr7:81,706,359, plus strand): 5'-ATTAAAACCAGATCTGATCCTTCAGGGCCATATACCAGCTGGGAAACATTGAGAACCTGT[T>C]TGCATTTCTCATCTCCTCTTCCGTGGACATCATGAATTCCAAGCCAAGCTTCATAATCTT-3'
Protein context (NP_000592.3, residues 552-572): DVHGRGDEKC[Lys562Arg]QVLNVSQLVY

ClinVar aggregate classification (germline): Uncertain significance (1 of 4 stars; one submission).

Allele frequency attached by ClinVar (database versions not stated): gnomAD exomes below 0.00001.
gnomAD v4.1: 3 of 1,610,580 alleles (0.00019%); highest among the groups gnomAD compares: African/African-American, 0.0013%; no homozygotes.

Submission:

Labcorp Genetics (formerly Invitae), Labcorp
Classification: Uncertain significance. Last evaluated: 2022-07-19. Review status: criteria provided, single submitter. Criteria: Invitae Variant Classification Sherloc (09022015). Collection method: clinical testing. Allele origin: germline.
Comment: This sequence change replaces lysine, which is basic and polar, with arginine, which is basic and polar, at codon 562 of the HGF protein (p.Lys562Arg). This variant is not present in population databases (gnomAD no frequency). This variant has not been reported in the literature in individuals affected with HGF-related conditions. Algorithms developed to predict the effect of missense changes on protein structure and function output the following: SIFT: "Not Available"; PolyPhen-2: "Benign"; Align-GVGD: "Not Available". The arginine amino acid residue is found in multiple mammalian species, which suggests that this missense change does not adversely affect protein function. In summary, the available evidence is currently insufficient to determine the role of this variant in disease. Therefore, it has been classified as a Variant of Uncertain Significance.